The following is an entry in ClinVar:

NM_014956.5(CEP164):c.2608G>T (p.Glu870Ter)

Gene: CEP164 (centrosomal protein 164; plus strand). Cytogenetic location: 11q23.3.
Variant type: single nucleotide variant.
Coding change: c.2608G>T on transcript NM_014956.5 (MANE Select); coding-DNA position 2608, G replaced by T.
Protein change: p.Glu870Ter; replaces glutamic acid 870 with a stop codon.
Molecular consequence: nonsense.
Genome position (GRCh38, 1-based): chr11:117,393,118, G>T. VCF-style: chr11-117393118-G-T. GRCh37 (hg19) VCF-style: chr11-117263834-G-T.
Other names: c.2617G>T, p.Glu873Ter (NM_001271933.2); short protein forms E870*, E873*.
Identifiers: ClinVar variation 2629648 (VCV002629648.5), dbSNP rs2541982138, ClinGen allele CA382726702.
Genomic context (GRCh38, chr11:117,393,118, plus strand): 5'-AGGTTGGACAAGATGAAGGAGGAGCACCAGCAAGTGATGGCTAAGGCCAGAGAGCAGTAT[G>T]AAGCTGAGGTAGCTCAGCCACATCCCCTGCGCGCATGCACACACATGCACACACACATGC-3'

ClinVar aggregate classification (germline): Pathogenic/Likely pathogenic. Review status: criteria provided, multiple submitters, no conflicts (2 of 4 stars). 3 submissions from 3 submitters: Pathogenic (1); Likely pathogenic (1). 1 of the submissions does not count toward it. Last evaluated 2024-09-28.

Conditions:
Nephronophthisis 15 (NPHP15). Identifiers: Orphanet 3156, MedGen C3541853, MONDO:0013917, OMIM 614845.
CEP164-related disorder. Also called: CEP164-related condition.

Allele frequency attached by ClinVar (database versions not stated): gnomAD exomes below 0.00001.
gnomAD v4.1: 1 of 1,612,828 alleles (0.000062%); highest among the groups gnomAD compares: Non-Finnish European, 0.000085%; no homozygotes.

Submissions (3):

Labcorp Genetics (formerly Invitae), Labcorp
Classification: Pathogenic for Nephronophthisis 15. Last evaluated: 2024-09-28. Review status: criteria provided, single submitter. Criteria: Invitae Variant Classification Sherloc (09022015). Collection method: clinical testing. Allele origin: germline.
Comment: This sequence change creates a premature translational stop signal (p.Glu870*) in the CEP164 gene. It is expected to result in an absent or disrupted protein product. Loss-of-function variants in CEP164 are known to be pathogenic (PMID: 22863007, 28125082, 32367404, 34132027, 34499853). This variant is not present in population databases (gnomAD no frequency). This variant has not been reported in the literature in individuals affected with CEP164-related conditions. ClinVar contains an entry for this variant (Variation ID: 2629648). Algorithms developed to predict the effect of sequence changes on RNA splicing suggest that this variant may disrupt the consensus splice site. For these reasons, this variant has been classified as Pathogenic.

Fulgent Genetics
Classification: Likely pathogenic for Nephronophthisis 15. Last evaluated: 2024-04-23. Review status: criteria provided, single submitter. Criteria: ACMG Guidelines, 2015. Collection method: clinical testing. Allele origin: germline.

PreventionGenetics, part of Exact Sciences
Classification: Likely pathogenic for CEP164-related condition. Last evaluated: 2024-05-29. Review status: no assertion criteria provided. Collection method: clinical testing. Allele origin: germline. Not counted in ClinVar's aggregate classification.
Comment: The CEP164 c.2608G>T variant is predicted to result in premature protein termination (p.Glu870*). To our knowledge, this variant has not been reported in the literature or in a large population database, indicating this variant is rare. Nonsense variants in CEP164 are expected to be pathogenic. This variant is interpreted as likely pathogenic.

Literature cited by the submitters: PubMed 22863007 (cited by Labcorp Genetics (formerly Invitae), Labcorp); PubMed 28125082 (cited by Labcorp Genetics (formerly Invitae), Labcorp); PubMed 32367404 (cited by Labcorp Genetics (formerly Invitae), Labcorp); PubMed 34132027 (cited by Labcorp Genetics (formerly Invitae), Labcorp); PubMed 34499853 (cited by Labcorp Genetics (formerly Invitae), Labcorp).